The following is an entry in ClinVar:

NM_014915.3(ANKRD26):c.4953+1G>T

Gene: ANKRD26 (ankyrin repeat domain 26; minus strand). Cytogenetic location: 10p12.1.
Variant type: single nucleotide variant.
Coding change: c.4953+1G>T on transcript NM_014915.3 (MANE Select); the canonical splice donor site of the intron after coding-DNA position 4953, G replaced by T.
Molecular consequence: splice donor variant.
Genome position (GRCh38, 1-based): chr10:27,012,881, C>A on the plus strand (G>T on the coding strand, the complement: ANKRD26 is on the minus strand). VCF-style: chr10-27012881-C-A. GRCh37 (hg19) VCF-style: chr10-27301810-C-A.
Other names: c.4950+1G>T (NM_001256053.2).
Identifiers: ClinVar variation 1338438 (VCV001338438.5), dbSNP rs758267677, ClinGen allele CA376354175.

ClinVar aggregate classification (germline): Uncertain significance. Review status: criteria provided, multiple submitters, no conflicts (2 of 4 stars). 2 submissions from 2 submitters: Uncertain significance (2). Last evaluated 2025-04-27.

gnomAD v4.1: 9 of 1,611,850 alleles (0.00056%); highest among the groups gnomAD compares: East Asian, 0.0022%; no homozygotes.

Submissions (2):

Labcorp Genetics (formerly Invitae), Labcorp
Classification: Uncertain significance. Last evaluated: 2025-04-27. Review status: criteria provided, single submitter. Criteria: Invitae Variant Classification Sherloc (09022015). Collection method: clinical testing. Allele origin: germline.
Comment: This sequence change affects a donor splice site in intron 32 of the ANKRD26 gene. It is expected to disrupt RNA splicing. Variants that disrupt the donor or acceptor splice site typically lead to a loss of protein function (PMID: 16199547), however the current clinical and genetic evidence is not sufficient to establish whether loss-of-function variants in ANKRD26 cause disease. This variant is present in population databases (no rsID available, gnomAD 0.0009%). This variant has not been reported in the literature in individuals affected with ANKRD26-related conditions. ClinVar contains an entry for this variant (Variation ID: 1338438). Algorithms developed to predict the effect of sequence changes on RNA splicing suggest that this variant may disrupt the consensus splice site. In summary, the available evidence is currently insufficient to determine the role of this variant in disease. Therefore, it has been classified as a Variant of Uncertain Significance.

Genetic Services Laboratory, University of Chicago
Classification: Uncertain significance. Last evaluated: 2018-09-06. Review status: criteria provided, single submitter. Criteria: ACMG Guidelines, 2015. Collection method: clinical testing. Allele origin: germline. Affected: no.

Literature cited by the submitters: PubMed 16199547 (cited by Labcorp Genetics (formerly Invitae), Labcorp).